The following is an entry in ClinVar:

ClinVar aggregate classification (germline): Benign/Likely benign. Review status: criteria provided, multiple submitters, no conflicts (2 of 4 stars). 6 submissions from 6 submitters: Benign (2); Likely benign (4). Last evaluated 2026-01-28.

Conditions:
Fraser syndrome 2 (FRASRS2). Identifiers: MedGen C4540036, MONDO:0054738, OMIM 617666.

Allele frequency attached by ClinVar (database versions not stated): gnomAD exomes 0.00028 and 0.00076; ExAC 0.00095; 1000 Genomes Project 30x 0.00172; 1000 Genomes Project 0.00180; gnomAD 0.00257 and 0.00279; TOPMed 0.00322; ESP Exome Variant Server 0.00415.
gnomAD v4.1: 815 of 1,614,168 alleles (0.05%); highest among the groups gnomAD compares: African/African-American, 0.96%; 2 homozygotes.

Submissions (6):

Labcorp Genetics (formerly Invitae), Labcorp
Classification: Benign. Last evaluated: 2026-01-28. Review status: criteria provided, single submitter. Criteria: Invitae Variant Classification Sherloc (09022015). Collection method: clinical testing. Allele origin: germline.

Mayo Clinic Laboratories, Mayo Clinic
Classification: Likely benign. Last evaluated: 2025-12-17. Review status: criteria provided, single submitter. Criteria: ACMG Guidelines, 2015. Collection method: clinical testing. Allele origin: germline. Observed: 1 variant allele.
Comment: BS1, BP4_moderate

Blueprint Genetics
Classification: Likely benign. Last evaluated: 2024-10-18. Review status: criteria provided, single submitter. Criteria: ACMG Guidelines, 2015. Collection method: clinical testing. Allele origin: germline.

Illumina Laboratory Services, Illumina
Classification: Likely benign for Fraser syndrome 2. Last evaluated: 2018-01-13. Review status: criteria provided, single submitter. Criteria: ICSL Variant Classification Criteria 13 December 2019. Collection method: clinical testing. Allele origin: germline.
Comment: This variant was observed in the ICSL laboratory as part of a predisposition screen in an ostensibly healthy population. It had not been previously curated by ICSL or reported in the Human Gene Mutation Database (HGMD: prior to June 1st, 2018), and was therefore a candidate for classification through an automated scoring system. Utilizing variant allele frequency, disease prevalence and penetrance estimates, and inheritance mode, an automated score was calculated to assess if this variant is too frequent to cause the disease. Based on the score and internal cut-off values, a variant classified as likely benign is not then subjected to further curation. The score for this variant resulted in a classification of likely benign for this disease.

Genetic Services Laboratory, University of Chicago
Classification: Benign. Last evaluated: 2017-08-21. Review status: criteria provided, single submitter. Criteria: ACMG Guidelines, 2015. Collection method: clinical testing. Allele origin: germline. Affected: no.

Breakthrough Genomics
Classification: Likely benign. Review status: criteria provided, single submitter. Criteria: ACMG Guidelines, 2015. Collection method: not provided. Allele origin: germline. Inheritance: Autosomal recessive inheritance. Affected: yes.

NM_207361.6(FREM2):c.9266A>G (p.His3089Arg)

Gene: FREM2 (FRAS1 related extracellular matrix 2; plus strand). Cytogenetic location: 13q13.3.
Variant type: single nucleotide variant.
Coding change: c.9266A>G on transcript NM_207361.6 (MANE Select); coding-DNA position 9266, A replaced by G.
Protein change: p.His3089Arg; replaces histidine 3089 with arginine.
Molecular consequence: missense variant.
Genome position (GRCh38, 1-based): chr13:38,880,543, A>G. VCF-style: chr13-38880543-A-G. GRCh37 (hg19) VCF-style: chr13-39454680-A-G.
Other names: p.His3089Arg; short protein forms H3089R.
Identifiers: ClinVar variation 697434 (VCV000697434.18), dbSNP rs76949956, ClinGen allele CA6956350.
Genomic context (GRCh38, chr13:38,880,543, plus strand): 5'-ACAGTCGAGGAACAAACATCCAGCACATTGCCCTGGACCGCACCAAGAGGCAGATCCCCC[A>G]TGGGAGAGCACCTCCAGATGGCATCCTCCCCTGGGAGCTCAACAGCCCCAGCTCTGCAGT-3'
Protein context (NP_997244.4, residues 3079-3099): ALDRTKRQIP[His3089Arg]GRAPPDGILP